The following is an entry in ClinVar:

NM_001267550.2(TTN):c.102481A>T (p.Asn34161Tyr)

Genes: TTN (titin; minus strand), TTN-AS1 (TTN antisense RNA 1; plus strand). Cytogenetic location: 2q31.2.
Variant type: single nucleotide variant.
Coding change: c.102481A>T on transcript NM_001267550.2 (MANE Select); coding-DNA position 102481, A replaced by T.
Protein change: p.Asn34161Tyr; replaces asparagine 34161 with tyrosine.
Molecular consequence: missense variant.
Genome position (GRCh38, 1-based): chr2:178,534,134, T>A on the plus strand (A>T on the coding strand, the complement: TTN is on the minus strand). VCF-style: chr2-178534134-T-A. GRCh37 (hg19) VCF-style: chr2-179398861-T-A.
Other names: c.97558A>T, p.Asn32520Tyr (NM_001256850.1); c.75286A>T, p.Asn25096Tyr (NM_003319.4); c.94777A>T, p.Asn31593Tyr (NM_133378.4); c.75661A>T, p.Asn25221Tyr (NM_133432.3); c.75862A>T, p.Asn25288Tyr (NM_133437.4); short protein forms N25221Y, N25288Y, N31593Y, N32520Y, N25096Y, N34161Y.
Identifiers: ClinVar variation 2157145 (VCV002157145.4), dbSNP rs1278747931, ClinGen allele CA349417440.

ClinVar aggregate classification (germline): Uncertain significance (1 of 4 stars; one submission).

Conditions:
Autosomal recessive limb-girdle muscular dystrophy type 2J (LGMDR10). Also called: MUSCULAR DYSTROPHY, LIMB-GIRDLE, AUTOSOMAL RECESSIVE 10; Limb-girdle muscular dystrophy, type 2J. Identifiers: Orphanet 140922, MedGen C1837342, MONDO:0012127, OMIM 608807.
Dilated cardiomyopathy 1G (CMD1G). Identifiers: Orphanet 154, MedGen C1858763, MONDO:0011400, OMIM 604145.

Allele frequency attached by ClinVar (database versions not stated): gnomAD exomes below 0.00001.
gnomAD v4.1: 2 of 1,613,972 alleles (0.00012%); highest among the groups gnomAD compares: Non-Finnish European, 0.00017%; no homozygotes.

Submission:

Labcorp Genetics (formerly Invitae), Labcorp
Classification: Uncertain significance for Dilated cardiomyopathy 1G; Autosomal recessive limb-girdle muscular dystrophy type 2J. Last evaluated: 2022-05-18. Review status: criteria provided, single submitter. Criteria: Invitae Variant Classification Sherloc (09022015). Collection method: clinical testing. Allele origin: germline.
Comment: This sequence change replaces asparagine, which is neutral and polar, with tyrosine, which is neutral and polar, at codon 34161 of the TTN protein (p.Asn34161Tyr). This variant is present in population databases (no rsID available, gnomAD 0.0009%). This variant has not been reported in the literature in individuals affected with TTN-related conditions. Experimental studies and prediction algorithms are not available or were not evaluated, and the functional significance of this variant is currently unknown. In summary, the available evidence is currently insufficient to determine the role of this variant in disease. Therefore, it has been classified as a Variant of Uncertain Significance. This variant is located in the M band of TTN (PMID: 25589632). Variants in this region may be relevant for neuromuscular disorders, but have not been definitively shown to cause cardiomyopathy (PMID: 23975875).

Literature cited by the submitters: PubMed 25589632; PubMed 23975875.